The following is an entry in ClinVar:

NM_000310.4(PPT1):c.722C>T (p.Ser241Leu)

Gene: PPT1 (palmitoyl-protein thioesterase 1; minus strand). Cytogenetic location: 1p34.2.
Variant type: single nucleotide variant.
Coding change: c.722C>T on transcript NM_000310.4 (MANE Select); coding-DNA position 722, C replaced by T.
Protein change: p.Ser241Leu; replaces serine 241 with leucine.
Molecular consequence: missense variant.
Genome position (GRCh38, 1-based): chr1:40,078,564, G>A on the plus strand (C>T on the coding strand, the complement: PPT1 is on the minus strand). VCF-style: chr1-40078564-G-A. GRCh37 (hg19) VCF-style: chr1-40544236-G-A.
Other names: c.413C>T, p.Ser138Leu (NM_001142604.2); c.722C>T, p.Ser241Leu (NM_001363695.2); short protein forms S241L, S138L.
Identifiers: ClinVar variation 198413 (VCV000198413.20), dbSNP rs746043871, ClinGen allele CA247056.

ClinVar aggregate classification (germline): Conflicting classifications of pathogenicity. Review status: criteria provided, conflicting classifications (1 of 4 stars). 8 submissions from 8 submitters: Pathogenic (1); Likely pathogenic (5); Uncertain significance (1). 1 of the submissions does not count toward it. Last evaluated 2026-09-25.

Conditions:
Neuronal ceroid lipofuscinosis. Also called: Neuronal Ceroid Lipofuscinoses. Identifiers: Orphanet 216, Orphanet 79263, MedGen C0027877, MONDO:0016295. Disease mechanism: loss of function.
Neuronal ceroid lipofuscinosis 1 (CLN1). Also called: CEROID LIPOFUSCINOSIS, NEURONAL, 1, VARIABLE AGE AT ONSET; PPT1-Related Neuronal Ceroid-Lipofuscinosis. Identifiers: Orphanet 228329, MedGen C1850451, MONDO:0009744, OMIM 256730.

Allele frequency attached by ClinVar (database versions not stated): gnomAD exomes below 0.00001 and 0.00001; TOPMed 0.00001; gnomAD 0.00001; ExAC 0.00002.
gnomAD v4.1: 7 of 1,613,256 alleles (0.00043%); highest among the groups gnomAD compares: African/African-American, 0.0027%; no homozygotes.

Submissions (8):

Genetics Laboratory, Great Ormond Street Hospital NHS Foundation Trust, North Thames Genomic Laboratory Hub
Classification: Likely pathogenic for Neuronal ceroid lipofuscinosis. Last evaluated: 2026-09-25. Review status: criteria provided, single submitter. Criteria: ACGS Best Practice Guidelines for Variant Classification in Rare Disease 2024 v1.2. Collection method: clinical testing. Allele origin: germline. Affected: yes.
Comment: PM2_moderate, PP3_supporting, PM3_supporting, PP4_strong

Labcorp Genetics (formerly Invitae), Labcorp
Classification: Pathogenic for Neuronal ceroid lipofuscinosis 1. Last evaluated: 2026-02-04. Review status: criteria provided, single submitter. Criteria: Invitae Variant Classification Sherloc (09022015). Collection method: clinical testing. Allele origin: germline.
Comment: This sequence change replaces serine, which is neutral and polar, with leucine, which is neutral and non-polar, at codon 241 of the PPT1 protein (p.Ser241Leu). This variant is present in population databases (rs746043871, gnomAD 0.01%). This missense change has been observed in individual(s) with neuronal ceroid lipofuscinosis (PMID: 22387303, 23374165; internal data). ClinVar contains an entry for this variant (Variation ID: 198413). Invitae Evidence Modeling of protein sequence and biophysical properties (such as structural, functional, and spatial information, amino acid conservation, physicochemical variation, residue mobility, and thermodynamic stability) indicates that this missense variant is expected to disrupt PPT1 protein function with a positive predictive value of 95%. For these reasons, this variant has been classified as Pathogenic.

Natera, Inc.
Classification: Likely pathogenic for Neuronal ceroid lipofuscinosis 1. Last evaluated: 2025-04-20. Review status: criteria provided, single submitter. Criteria: Natera Variant Classification Schema (03/2026). Collection method: clinical testing. Allele origin: germline.
Comment: The c.722C>T variant in PPT1 is a missense variant predicted to cause substitution of serine to leucine at amino acid 241. This variant is rare in the general population with a frequency below the threshold expected for the associated phenotype(s). This variant has been observed in one or more individuals affected with the associated recessive disease, as either homozygous or compound heterozygous with a second variant (PMID: 23374165, 32036093, 30076350, 22387303). Computational prediction algorithms indicate this variant is likely to affect gene or protein function. Given the available evidence, this variant is classified as Likely Pathogenic.

Fulgent Genetics
Classification: Likely pathogenic for Neuronal ceroid lipofuscinosis 1. Last evaluated: 2024-05-06. Review status: criteria provided, single submitter. Criteria: ACMG Guidelines, 2015. Collection method: clinical testing. Allele origin: germline.

Institute of Human Genetics, University of Leipzig Medical Center
Classification: Likely pathogenic for Neuronal ceroid lipofuscinosis 1. Last evaluated: 2023-09-19. Review status: criteria provided, single submitter. Criteria: ACMG Guidelines, 2015. Collection method: clinical testing. Allele origin: unknown. Inheritance: Autosomal recessive inheritance. Affected: yes.
Comment: Criteria applied: PS4_MOD,PM1,PM2_SUP,PP3

Eurofins Ntd Llc (ga)
Classification: Uncertain significance. Last evaluated: 2015-02-23. Review status: criteria provided, single submitter. Criteria: EGL Classification Definitions 2015. Collection method: clinical testing. Allele origin: germline. Observed: 1 variant allele, 1 heterozygote.

Juno Genomics, Hangzhou Juno Genomics, Inc
Classification: Likely pathogenic for Neuronal ceroid lipofuscinosis 1. Review status: criteria provided, single submitter. Criteria: ACMG Guidelines, 2015. Collection method: clinical testing. Allele origin: germline.
Comment: Absent from controls (or at extremely low frequency if recessive) in Genome Aggregation Database.;Multiple lines of computational evidence support a deleterious effect on the gene or gene product.;For recessive disorders, detected in trans with a pathogenic variant.;Patient's phenotype or family history is highly specific for a disease with a single genetic etiology.

Counsyl
Classification: Uncertain significance for Neuronal ceroid lipofuscinosis 1. Last evaluated: 2017-11-13. Review status: no assertion criteria provided. Collection method: clinical testing. Allele origin: unknown. Not counted in ClinVar's aggregate classification.

Literature cited by the submitters: PubMed 22387303 (cited by 3 submitters); PubMed 23374165 (cited by 3 submitters); PubMed 32036093 (cited by Natera, Inc.); PubMed 30076350 (cited by Natera, Inc.).